The following is an entry in ClinVar:

NM_001012338.3(NTRK3):c.1665C>T (p.Ala555=)

Gene: NTRK3 (neurotrophic receptor tyrosine kinase 3; minus strand). Cytogenetic location: 15q25.3.
Variant type: single nucleotide variant.
Coding change: c.1665C>T on transcript NM_001012338.3 (MANE Select); coding-DNA position 1665, C replaced by T.
Protein change: p.Ala555=; no amino-acid change (alanine 555 retained).
Molecular consequence: synonymous variant.
Genome position (GRCh38, 1-based): chr15:87,940,674, G>A on the plus strand (C>T on the coding strand, the complement: NTRK3 is on the minus strand). VCF-style: chr15-87940674-G-A. GRCh37 (hg19) VCF-style: chr15-88483905-G-A.
Other names: c.1641C>T, p.Ala547= (NM_001243101.2, NM_001375812.1); c.1371C>T, p.Ala457= (NM_001320135.2); c.1665C>T, p.Ala555= (NM_001375810.1, NM_001375811.1, NM_002530.4).
Identifiers: ClinVar variation 719516 (VCV000719516.6), dbSNP rs55799747, ClinGen allele CA7716745.

ClinVar aggregate classification (germline): Benign. Review status: criteria provided, single submitter (1 of 4 stars). 2 submissions from 2 submitters: Benign (1). 1 of the submissions does not count toward it. Last evaluated 2019-12-31.

Conditions:
NTRK3-related disorder. Also called: NTRK3-related condition.

Allele frequency attached by ClinVar (database versions not stated): 1000 Genomes Project 0.00080; ExAC 0.00106; gnomAD 0.00116 and 0.00173; TOPMed 0.00184; 1000 Genomes Project 30x 0.00094; ESP Exome Variant Server 0.00123.
gnomAD v4.1: 2,226 of 1,614,070 alleles (0.14%); highest among the groups gnomAD compares: Non-Finnish European, 0.17%; 8 homozygotes.

Submissions (2):

Labcorp Genetics (formerly Invitae), Labcorp
Classification: Benign. Last evaluated: 2019-12-31. Review status: criteria provided, single submitter. Criteria: Invitae Variant Classification Sherloc (09022015). Collection method: clinical testing. Allele origin: germline.

PreventionGenetics, part of Exact Sciences
Classification: Likely benign for NTRK3-related condition. Last evaluated: 2019-08-01. Review status: no assertion criteria provided. Collection method: clinical testing. Allele origin: germline. Not counted in ClinVar's aggregate classification.
Comment: This variant is classified as likely benign based on ACMG/AMP sequence variant interpretation guidelines (Richards et al. 2015 PMID: 25741868, with internal and published modifications).